The following is an entry in ClinVar:

NM_001080517.3(SETD5):c.2356A>T (p.Lys786Ter)

Gene: SETD5 (SET domain containing 5; plus strand). Cytogenetic location: 3p25.3.
Variant type: single nucleotide variant.
Coding change: c.2356A>T on transcript NM_001080517.3 (MANE Select); coding-DNA position 2356, A replaced by T.
Protein change: p.Lys786Ter; replaces lysine 786 with a stop codon.
Molecular consequence: nonsense.
Genome position (GRCh38, 1-based): chr3:9,453,748, A>T. VCF-style: chr3-9453748-A-T. GRCh37 (hg19) VCF-style: chr3-9495432-A-T.
Other names: c.2062A>T, p.Lys688Ter (NM_001292043.2, NM_001349451.2); short protein forms K786*, K688*.
Identifiers: ClinVar variation 504355 (VCV000504355.2), dbSNP rs1553629700, ClinGen allele CA351703272.

ClinVar aggregate classification (germline): Pathogenic (1 of 4 stars; one submission).

Submission:

GeneDx
Classification: Pathogenic. Last evaluated: 2018-02-23. Review status: criteria provided, single submitter. Criteria: GeneDx Variant Classification (06012015). Collection method: clinical testing. Allele origin: germline. Affected: yes.
Comment: The K786X variant in the SETD5 gene has not been reported previously as a pathogenic variant nor as a benign variant, to our knowledge. This variant is predicted to cause loss of normal protein function either through protein truncation or nonsense-mediated mRNA decay. The K786X variant is not observed in large population cohorts (Lek et al., 2016). We interpret K786X as a pathogenic variant.